The following is an entry in ClinVar:

ClinVar aggregate classification (germline): Conflicting classifications of pathogenicity. Review status: criteria provided, conflicting classifications (1 of 4 stars). 5 submissions from 5 submitters: Likely pathogenic (3); Uncertain significance (1). 1 of the submissions does not count toward it. Last evaluated 2025-07-15.

Conditions:
Wilson disease (WND). Also called: Wilson's disease. Identifiers: Orphanet 905, MedGen C0019202, MONDO:0010200, OMIM 277900. Disease mechanism: loss of function.

Allele frequency attached by ClinVar (database versions not stated): TOPMed below 0.00001; gnomAD 0.00001.
gnomAD v4.1: 2 of 1,613,944 alleles (0.00012%); highest among the groups gnomAD compares: Admixed American, 0.0017%; no homozygotes.

Submissions (5):

Labcorp Genetics (formerly Invitae), Labcorp
Classification: Likely pathogenic for Wilson disease. Last evaluated: 2025-07-15. Review status: criteria provided, single submitter. Criteria: Invitae Variant Classification Sherloc (09022015). Collection method: clinical testing. Allele origin: germline.
Comment: This sequence change affects an acceptor splice site in intron 1 of the ATP7B gene. It is expected to disrupt RNA splicing. Variants that disrupt the donor or acceptor splice site typically lead to a loss of protein function (PMID: 16199547), and loss-of-function variants in ATP7B are known to be pathogenic (PMID: 10441329, 16283883). This variant is not present in population databases (gnomAD no frequency). This variant has not been reported in the literature in individuals affected with ATP7B-related conditions. ClinVar contains an entry for this variant (Variation ID: 371539). Algorithms developed to predict the effect of sequence changes on RNA splicing suggest that this variant may disrupt the consensus splice site. In summary, the currently available evidence indicates that the variant is pathogenic, but additional data are needed to prove that conclusively. Therefore, this variant has been classified as Likely Pathogenic.

Fulgent Genetics
Classification: Likely pathogenic for Wilson disease. Last evaluated: 2024-02-14. Review status: criteria provided, single submitter. Criteria: ACMG Guidelines, 2015. Collection method: clinical testing. Allele origin: germline.

Baylor Genetics
Classification: Likely pathogenic for Wilson disease. Last evaluated: 2023-07-04. Review status: criteria provided, single submitter. Criteria: ACMG Guidelines, 2015. Collection method: clinical testing. Allele origin: unknown.

All of Us Research Program, National Institutes of Health
Classification: Uncertain significance for Wilson disease. Last evaluated: 2023-06-08. Review status: criteria provided, single submitter. Criteria: ACMG Guidelines, 2015. Collection method: clinical testing. Allele origin: germline. Inheritance: Autosomal recessive inheritance. Observed: 1 variant allele, 1 heterozygote.
Comment: This variant causes a G to T nucleotide substitution at the -1 position of intron 1 of the ATP7B gene. Splice site prediction tools suggest that this variant may disrupt the canonical splice acceptor site and activate an in-frame cryptic splice acceptor site 12 nucleotides downstream. To our knowledge, RNA studies have not been reported for this variant. This variant has not been reported in individuals affected with ATP7B-related disorders in the literature. This variant has not been identified in the general population by the Genome Aggregation Database (gnomAD). The available evidence is insufficient to determine the role of this variant in disease conclusively. Therefore, this variant is classified as a Variant of Uncertain Significance.

This study involves interpretation of variants in research participants for the purpose of population health screening. Participant phenotype was not available at the time of variant classification. Additional details can be found in publication PMID: 35346344, PMCID: PMC8962531

Counsyl
Classification: Likely pathogenic for Wilson disease. Last evaluated: 2016-10-14. Review status: no assertion criteria provided. Collection method: clinical testing. Allele origin: unknown. Not counted in ClinVar's aggregate classification.

Literature cited by the submitters: PubMed 16199547 (cited by Labcorp Genetics (formerly Invitae), Labcorp); PubMed 10441329 (cited by Labcorp Genetics (formerly Invitae), Labcorp); PubMed 16283883 (cited by Labcorp Genetics (formerly Invitae), Labcorp).

NM_000053.4(ATP7B):c.52-1G>T

Gene: ATP7B (ATPase copper transporting beta; minus strand). Cytogenetic location: 13q14.3.
Variant type: single nucleotide variant.
Coding change: c.52-1G>T on transcript NM_000053.4 (MANE Select); the canonical splice acceptor site of the intron before coding-DNA position 52, G replaced by T.
Molecular consequence: splice acceptor variant.
Genome position (GRCh38, 1-based): chr13:51,975,169, C>A on the plus strand (G>T on the coding strand, the complement: ATP7B is on the minus strand). VCF-style: chr13-51975169-C-A. GRCh37 (hg19) VCF-style: chr13-52549305-C-A.
Other names: c.52-1G>T (NM_001406541.1, NM_001406531.1, NM_001406527.1 and 30 more transcripts); c.-45-1G>T (NM_001406543.1, NM_001406518.1, NM_001406539.1 and 4 more transcripts).
Identifiers: ClinVar variation 371539 (VCV000371539.15), dbSNP rs1057517351, ClinGen allele CA16041684.